The following is an entry in ClinVar:

ClinVar aggregate classification (germline): Uncertain significance (1 of 4 stars; one submission).

Submission:

GeneDx
Classification: Uncertain significance. Last evaluated: 2024-12-03. Review status: criteria provided, single submitter. Criteria: GeneDx Variant Classification Process June 2021. Collection method: clinical testing. Allele origin: germline. Affected: yes.
Comment: Not observed at significant frequency in large population cohorts (gnomAD); In silico analysis supports that this missense variant has a deleterious effect on protein structure/function; Has not been previously published as pathogenic or benign to our knowledge

NM_004260.4(RECQL4):c.2989G>T (p.Gly997Cys)

Gene: RECQL4 (RecQ like helicase 4; minus strand). Cytogenetic location: 8q24.3.
Variant type: single nucleotide variant.
Coding change: c.2989G>T on transcript NM_004260.4 (MANE Select); coding-DNA position 2989, G replaced by T.
Protein change: p.Gly997Cys; replaces glycine 997 with cysteine.
Molecular consequence: missense variant. On other transcripts: non-coding transcript variant (3).
Genome position (GRCh38, 1-based): chr8:144,512,458, C>A on the plus strand (G>T on the coding strand, the complement: RECQL4 is on the minus strand). VCF-style: chr8-144512458-C-A. GRCh37 (hg19) VCF-style: chr8-145737841-C-A.
Other names: c.2695G>T, p.Gly899Cys (NM_001413017.1); c.2791G>T, p.Gly931Cys (NM_001413018.1); c.3064G>T, p.Gly1022Cys (NM_001413019.1); c.2893G>T, p.Gly965Cys (NM_001413020.1); c.1918G>T, p.Gly640Cys (NM_001413021.1, NM_001413022.1, NM_001413024.1 and 4 more transcripts); c.1993G>T, p.Gly665Cys (NM_001413023.1); c.2860G>T, p.Gly954Cys (NM_001413025.1); c.1852G>T, p.Gly618Cys (NM_001413027.1, NM_001413030.1, NM_001413032.1); and 9 more; short protein forms G1022C, G508C, G574C, G596C, G618C, G630C, G640C, G643C.
Identifiers: ClinVar variation 3901616 (VCV003901616.1).